The following is an entry in ClinVar:

NM_000202.8(IDS):c.1405C>G (p.Pro469Ala)

Gene: IDS (iduronate 2-sulfatase; minus strand). Cytogenetic location: Xq28.
Variant type: single nucleotide variant.
Coding change: c.1405C>G on transcript NM_000202.8 (MANE Select); coding-DNA position 1405, C replaced by G.
Protein change: p.Pro469Ala; replaces proline 469 with alanine.
Molecular consequence: missense variant.
Genome position (GRCh38, 1-based): chrX:149,482,994, G>C on the plus strand (C>G on the coding strand, the complement: IDS is on the minus strand). VCF-style: chrX-149482994-G-C. GRCh37 (hg19) VCF-style: chrX-148564525-G-C.
Other names: c.1405C>G (NM_000202.4); c.1135C>G, p.Pro379Ala (NM_001166550.4); short protein forms P379A, P469A.
Identifiers: ClinVar variation 3256046 (VCV003256046.6).

ClinVar aggregate classification (germline): Uncertain significance. Review status: criteria provided, multiple submitters, no conflicts (2 of 4 stars). 4 submissions from 4 submitters: Uncertain significance (4). Last evaluated 2025-11-25.

Conditions:
Mucopolysaccharidosis, MPS-II (MPS2). Also called: Hunter Syndrome; IDURONATE 2-SULFATASE DEFICIENCY; Mucopolysaccharidosis Type II; Mucopolysaccharidosis type 2; Attenuated MPS (subtype; formerly known as mild MPS II); Severe MPS II. Identifiers: Orphanet 580, Orphanet 79388, MedGen C0026705, MONDO:0010674, OMIM 309900.

Submissions (4):

Labcorp Genetics (formerly Invitae), Labcorp
Classification: Uncertain significance for Mucopolysaccharidosis, MPS-II. Last evaluated: 2025-11-25. Review status: criteria provided, single submitter. Criteria: Invitae Variant Classification Sherloc (09022015). Collection method: clinical testing. Allele origin: germline.
Comment: This sequence change replaces proline, which is neutral and non-polar, with alanine, which is neutral and non-polar, at codon 469 of the IDS protein (p.Pro469Ala). This variant is not present in population databases (gnomAD no frequency). This missense change has been observed in individual(s) with features of IDS-related conditions (PMID: 32014045). ClinVar contains an entry for this variant (Variation ID: 3256046). Invitae Evidence Modeling of protein sequence and biophysical properties (such as structural, functional, and spatial information, amino acid conservation, physicochemical variation, residue mobility, and thermodynamic stability) has been performed for this missense variant. However, the output from this modeling did not meet the statistical confidence thresholds required to predict the impact of this variant on IDS protein function. This variant disrupts the p.Pro469 amino acid residue in IDS. Other variant(s) that disrupt this residue have been observed in individuals with IDS-related conditions (PMID: 7887413, 22976768, 27246110, 35144014), which suggests that this may be a clinically significant amino acid residue. In summary, the available evidence is currently insufficient to determine the role of this variant in disease. Therefore, it has been classified as a Variant of Uncertain Significance.

Revvity Omics, Revvity
Classification: Uncertain significance for Mucopolysaccharidosis, MPS-II. Last evaluated: 2025-07-16. Review status: criteria provided, single submitter. Criteria: ACMG Guidelines, 2015. Collection method: clinical testing. Allele origin: germline.

Laboratory of Diagnosis and Therapy of Lysosomal Disorders, University of Padova
Classification: Uncertain significance for Mucopolysaccharidosis, MPS-II. Last evaluated: 2024-06-07. Review status: criteria provided, single submitter. Criteria: ACMG Guidelines, 2015. Collection method: literature only. Allele origin: germline. Observed: 1 variant allele.
Comment: Absent from controls (or at low frequency) in gnomAD database (PM2_Moderate), Missense change at the same amino acid residue as a pathogenic variant (PM5_Supporting), Missense variant in a gene with a low rate of benign missense variation (PP2_Supporting), Multiple lines of computational evidence support a deleterious effect (PP3_Supporting)

Classification method: ACMG Guidelines [PMID:25741868] with modifications

GeneDx
Classification: Uncertain significance. Last evaluated: 2023-08-27. Review status: criteria provided, single submitter. Criteria: GeneDx Variant Classification Process June 2021. Collection method: clinical testing. Allele origin: germline. Affected: yes.
Comment: Reported in a patient with mucopolysaccharidosis type II; however, no further information was provided (Chien et al., 2020); Not observed at significant frequency in large population cohorts (gnomAD); In silico analysis supports that this missense variant has a deleterious effect on protein structure/function; This variant is associated with the following publications: (PMID: 32014045)

Literature cited by the submitters: PubMed 32014045 (cited by Labcorp Genetics (formerly Invitae), Labcorp and Laboratory of Diagnosis and Therapy of Lysosomal Disorders, University of Padova); PubMed 7887413 (cited by Labcorp Genetics (formerly Invitae), Labcorp); PubMed 22976768 (cited by Labcorp Genetics (formerly Invitae), Labcorp); PubMed 27246110 (cited by Labcorp Genetics (formerly Invitae), Labcorp); PubMed 35144014 (cited by Labcorp Genetics (formerly Invitae), Labcorp).